The following is an entry in ClinVar:

NM_000157.4(GBA1):c.851C>A (p.Pro284His)

Genes: GBA1 (glucosylceramidase beta 1; minus strand), LOC106627981 (GBA recombination region; plus strand). Cytogenetic location: 1q22.
Variant type: single nucleotide variant.
Coding change: c.851C>A on transcript NM_000157.4 (MANE Select); coding-DNA position 851, C replaced by A.
Protein change: p.Pro284His; replaces proline 284 with histidine.
Molecular consequence: missense variant.
Genome position (GRCh38, 1-based): chr1:155,237,489, G>T on the plus strand (C>A on the coding strand, the complement: GBA1 is on the minus strand). VCF-style: chr1-155237489-G-T. GRCh37 (hg19) VCF-style: chr1-155207280-G-T.
Other names: c.851C>A, p.Pro284His (NM_001005741.3, NM_001005742.3); c.590C>A, p.Pro197His (NM_001171811.2); c.704C>A, p.Pro235His (NM_001171812.2); short protein forms P197H, P235H, P284H.
Identifiers: ClinVar variation 4817816 (VCV004817816.1).
Genomic context (GRCh38, chr1:155,237,489, plus strand): 5'-CCTAGGTCACGGGCAATGAAGTCTCGCTGATGTTCAGGGGTGAAGCCCAGGCACTGGAAG[G>T]GGTATCCACTCAACAGCCCAGCAGAAGGCTCATTTTCAGCTGTCACTGCCCAGAACTGTA-3'
Protein context (NP_000148.2, residues 274-294): EPSAGLLSGY[Pro284His]FQCLGFTPEH

ClinVar aggregate classification (germline): Likely pathogenic (1 of 4 stars; one submission).

Conditions:
Gaucher disease. Also called: Acute cerebral Gaucher disease; Cerebroside lipidosis syndrome; Gaucher splenomegaly; Sphingolipidosis 1; Glucocerebrosidosis; Glucosylceramidase deficiency. Identifiers: Orphanet 355, MedGen C0017205, MONDO:0018150.

Submission:

Natera, Inc.
Classification: Likely pathogenic for Gaucher disease. Last evaluated: 2025-09-28. Review status: criteria provided, single submitter. Criteria: Natera Variant Classification Schema (03/2026). Collection method: clinical testing. Allele origin: germline.
Comment: The c.851C>A variant in GBA1 is a missense variant predicted to cause substitution of proline to histidine at amino acid 284. This variant is rare in the general population with a frequency below the threshold expected for the associated phenotype(s). This variant has been observed in one or more individuals affected with the associated recessive disease, as either homozygous or compound heterozygous with a second variant (PMID: 28947706). A different variant at the same position has been determined to be Pathogenic or Likely Pathogenic. Computational prediction algorithms indicate this variant is likely to affect gene or protein function. Given the available evidence, this variant is classified as Likely Pathogenic.

Literature cited by the submitters: PubMed 28947706.